The following continues an entry in ClinVar:

NM_000070.3(CAPN3):c.1303G>A (p.Glu435Lys)

Gene: CAPN3. ClinVar aggregate classification (germline): Pathogenic. Pathogenic (1).

Submissions 10 to 17 of 17:

Women's Health and Genetics/Laboratory Corporation of America, LabCorp
Classification: Pathogenic for Autosomal recessive limb-girdle muscular dystrophy. Last evaluated: 2024-05-02. Review status: criteria provided, single submitter. Criteria: LabCorp Variant Classification Summary - May 2015. Collection method: clinical testing. Allele origin: germline. Not counted in ClinVar's aggregate classification.
Comment: Variant summary: CAPN3 c.1303G>A (p.Glu435Lys) results in a conservative amino acid change located in the Peptidase C2, calpain, large subunit, domain III (IPR022682) of the encoded protein sequence. Four of five in-silico tools predict a damaging effect of the variant on protein function. The variant allele was found at a frequency of 8.4e-05 in 250332 control chromosomes. This frequency is not significantly higher than estimated for a pathogenic variant in CAPN3 causing Limb-Girdle Muscular Dystrophy, Autosomal Recessive (8.4e-05 vs 0.0032), allowing no conclusion about variant significance. c.1303G>A has been reported in the literature in homozygous and compound heterozygous individuals affected with Limb-Girdle Muscular Dystrophy, hyperCkemia, or with clinical symptoms of a neuromuscular disorder or in heterozygous individuals without reported second variant (e.g. Ozyilmaz_2022, Fanin_2009, Saenz_2005, Piluso_2004, Topf_2020, Quick_2021). These data indicate that the variant is likely to be associated with disease. Several publications provide functional evidence suggesting the variant causes significant deficits of calpain-3 quantity and loss of autolytic activity in vitro (e.g. Fanin_2009) or accelerates autolytic degradation, lowering overall enzyme activity (e.g. Granham_2009). The following publications have been ascertained in the context of this evaluation (PMID: 18854869, 19226146, 35157181, 16141003, 33931068, 15689361, 32528171). ClinVar contains an entry for this variant (Variation ID: 282173). Based on the evidence outlined above, the variant was classified as pathogenic.

Baylor Genetics
Classification: Likely pathogenic for Muscular dystrophy, limb-girdle, autosomal dominant 4. Last evaluated: 2024-03-20. Review status: criteria provided, single submitter. Criteria: ACMG Guidelines, 2015. Collection method: clinical testing. Allele origin: unknown. Not counted in ClinVar's aggregate classification.

Laboratory of Medical Genetics, National & Kapodistrian University of Athens
Classification: Pathogenic for Autosomal recessive limb-girdle muscular dystrophy type 2A. Last evaluated: 2024-02-01. Review status: criteria provided, single submitter. Criteria: ACMG Guidelines, 2015. Collection method: curation. Allele origin: germline. Affected: no. Not counted in ClinVar's aggregate classification.

CeGaT Center for Human Genetics Tuebingen
Classification: Likely pathogenic. Last evaluated: 2023-09-01. Review status: criteria provided, single submitter. Criteria: CeGaT Center For Human Genetics Tuebingen Variant Classification Criteria Version 2. Collection method: clinical testing. Allele origin: germline. Affected: yes. Observed: 1 variant allele. Not counted in ClinVar's aggregate classification.
Comment: CAPN3: PM1, PM3, PM2:Supporting, PP3

Eurofins-Biomnis
Classification: Likely pathogenic for Autosomal recessive limb-girdle muscular dystrophy type 2A. Last evaluated: 2022-10-20. Review status: criteria provided, single submitter. Criteria: Accession Criteria ClinVar Biomnis. Collection method: clinical testing. Allele origin: germline. Affected: yes. Observed: 1 heterozygote. Not counted in ClinVar's aggregate classification.

Revvity Omics, Revvity
Classification: Pathogenic. Last evaluated: 2022-04-26. Review status: criteria provided, single submitter. Criteria: ACMG Guidelines, 2015. Collection method: clinical testing. Allele origin: germline. Not counted in ClinVar's aggregate classification.

Genome-Nilou Lab
Classification: Likely pathogenic for Autosomal recessive limb-girdle muscular dystrophy type 2A. Last evaluated: 2021-05-18. Review status: criteria provided, single submitter. Criteria: ACMG Guidelines, 2015. Collection method: clinical testing. Allele origin: germline. Affected: no. Not counted in ClinVar's aggregate classification.

Eurofins Ntd Llc (ga)
Classification: Pathogenic. Last evaluated: 2018-08-29. Review status: criteria provided, single submitter. Criteria: EGL ClinVar v180209 classification definitions. Collection method: clinical testing. Allele origin: germline. Observed: 6 variant alleles, 5 heterozygotes, 1 homozygote. Not counted in ClinVar's aggregate classification.

Literature cited by the submitters: PubMed 18854869 (cited by 4 submitters); PubMed 20635405 (cited by 4 submitters); PubMed 23553538 (cited by Labcorp Genetics (formerly Invitae), Labcorp and Athena Diagnostics); PubMed 33931068 (cited by 4 submitters); PubMed 19226146 (cited by 3 submitters); PubMed 35157181 (cited by 3 submitters); PubMed 38812636 (cited by Natera, Inc. and Athena Diagnostics); PubMed 16141003 (cited by 3 submitters); PubMed 11371436 (cited by Athena Diagnostics); PubMed 15221789 (cited by Athena Diagnostics and Eurofins Ntd Llc (ga)); PubMed 32528171 (cited by Women's Health and Genetics/Laboratory Corporation of America, LabCorp); PubMed 15689361 (cited by Women's Health and Genetics/Laboratory Corporation of America, LabCorp).